The following is an entry in ClinVar:

ClinVar aggregate classification (germline): Uncertain significance. Review status: criteria provided, multiple submitters, no conflicts (2 of 4 stars). 3 submissions from 3 submitters: Uncertain significance (3). Last evaluated 2025-11-26.

Conditions:
Inborn genetic diseases. Identifiers: MedGen C0950123, MeSH D030342.
Left ventricular noncompaction 8 (LVNC8). Identifiers: Orphanet 154, Orphanet 54260, MedGen C3809288, MONDO:0014152, OMIM 615373.

Allele frequency attached by ClinVar (database versions not stated): gnomAD exomes below 0.00001 and 0.00001; TOPMed below 0.00001; ExAC 0.00003; ESP Exome Variant Server 0.00008.
gnomAD v4.1: 5 of 1,608,174 alleles (0.00031%); highest among the groups gnomAD compares: Non-Finnish European, 0.00042%; no homozygotes.

Submissions (3):

Ambry Genetics
Classification: Uncertain significance for Inborn genetic diseases. Last evaluated: 2025-11-26. Review status: criteria provided, single submitter. Criteria: Ambry Variant Classification Scheme 2023. Collection method: clinical testing. Allele origin: germline.

Labcorp Genetics (formerly Invitae), Labcorp
Classification: Uncertain significance for Left ventricular noncompaction 8. Last evaluated: 2025-08-17. Review status: criteria provided, single submitter. Criteria: Invitae Variant Classification Sherloc (09022015). Collection method: clinical testing. Allele origin: germline.
Comment: This sequence change replaces methionine, which is neutral and non-polar, with isoleucine, which is neutral and non-polar, at codon 289 of the PRDM16 protein (p.Met289Ile). This variant is present in population databases (rs375991356, gnomAD 0.003%). This variant has not been reported in the literature in individuals affected with PRDM16-related conditions. ClinVar contains an entry for this variant (Variation ID: 229169). An algorithm developed to predict the effect of missense changes on protein structure and function (PolyPhen-2) suggests that this variant is likely to be tolerated. In summary, the available evidence is currently insufficient to determine the role of this variant in disease. Therefore, it has been classified as a Variant of Uncertain Significance.

Laboratory for Molecular Medicine, Mass General Brigham Personalized Medicine
Classification: Uncertain significance. Last evaluated: 2015-04-14. Review status: criteria provided, single submitter. Criteria: LMM Criteria. Collection method: clinical testing. Allele origin: germline. Observed: 1 variant allele.
Comment: Variant classified as Uncertain Significance - Favor Benign. The p.Met289Ile var iant in PRDM16 has not been previously reported in individuals with cardiomyopat hy, but has been identified in 3/64670 European chromosomes by the Exome Aggrega tion Consortium (ExAC; dbSNP rs375991356). Methi onine (Met) at position 289 is not conserved in evolution and 1 mammal (pig) and >10 fish species carry an isoleucine (Ile) at this position, raising the possib ility that this change may be tolerated. In summary, while the clinical signific ance of the p.Met289Ile variant is uncertain, the presence of the variant amino acid in other species suggests that it is more likely to be benign.

NM_022114.4(PRDM16):c.867G>A (p.Met289Ile)

Gene: PRDM16 (PR/SET domain 16; plus strand). Cytogenetic location: 1p36.32.
Variant type: single nucleotide variant.
Coding change: c.867G>A on transcript NM_022114.4 (MANE Select); coding-DNA position 867, G replaced by A.
Protein change: p.Met289Ile; replaces methionine 289 with isoleucine.
Molecular consequence: missense variant.
Genome position (GRCh38, 1-based): chr1:3,402,981, G>A. VCF-style: chr1-3402981-G-A. GRCh37 (hg19) VCF-style: chr1-3319545-G-A.
Other names: c.867G>A, p.Met289Ile (NM_199454.3); short protein forms M289I.
Identifiers: ClinVar variation 229169 (VCV000229169.7), dbSNP rs375991356, ClinGen allele CA543984.
Genomic context (GRCh38, chr1:3,402,981, plus strand): 5'-GCCCGAGGGCCTTGGCGGTGGCAGCGGCCAAGCCCACGAGTGCAAGGACTGCGAGCGGAT[G>A]TTCCCCAACAAGTACAGGTGCCACGCCCTCCTCTGAGTCTTCCTCCCCTTCCCGTACCCT-3'
Protein context (NP_071397.3, residues 279-299): QAHECKDCER[Met289Ile]FPNKYSLEQH